The following is an entry in ClinVar:

NM_000238.4(KCNH2):c.3095G>A (p.Arg1032Gln)

Gene: KCNH2 (potassium voltage-gated channel subfamily H member 2; minus strand). Cytogenetic location: 7q36.1.
Variant type: single nucleotide variant.
Coding change: c.3095G>A on transcript NM_000238.4 (MANE Select); coding-DNA position 3095, G replaced by A.
Protein change: p.Arg1032Gln; replaces arginine 1032 with glutamine.
Molecular consequence: missense variant.
Genome position (GRCh38, 1-based): chr7:150,947,385, C>T on the plus strand (G>A on the coding strand, the complement: KCNH2 is on the minus strand). VCF-style: chr7-150947385-C-T. GRCh37 (hg19) VCF-style: chr7-150644473-C-T.
Other names: c.3095G>A (LRG_288t1); c.2075G>A, p.Arg692Gln (NM_172057.3); short protein forms R1032Q, R692Q.
Identifiers: ClinVar variation 67466 (VCV000067466.29), dbSNP rs199473020, ClinGen allele CA007902.

ClinVar aggregate classification (germline): Conflicting classifications of pathogenicity. Review status: criteria provided, conflicting classifications (1 of 4 stars). 9 submissions from 9 submitters: Uncertain significance (7); Likely benign (1). 1 of the submissions does not count toward it. Last evaluated 2025-11-07.

Conditions:
Cardiovascular phenotype. Identifiers: MedGen CN230736.
Cardiac arrhythmia. Also called: Arrhythmia; Cardiac rhythm disease. Identifiers: MedGen C0003811, MONDO:0007263, HP:0011675.
Familial long QT syndrome (RWS). Also called: Congenital long QT syndrome; Romano-Ward syndrome; VENTRICULAR FIBRILLATION WITH PROLONGED QT INTERVAL. Identifiers: Orphanet 768, MedGen C1141890, MONDO:0019171.
Short QT syndrome type 1. Identifiers: Orphanet 51083, MedGen C1865020, MONDO:0012312, OMIM 609620.
Long QT syndrome 2 (LQT2). Identifiers: Orphanet 101016, Orphanet 768, MedGen C3150943, MONDO:0013367, OMIM 613688.
Long QT syndrome (LQTS). Identifiers: MedGen C0023976, MeSH D008133, MONDO:0002442. Disease mechanism: loss of function. Inheritance: Various modes of inheritance.

Allele frequency attached by ClinVar (database versions not stated): TOPMed 0.00002; 1000 Genomes Project 0.00020; gnomAD exomes 0.00003; 1000 Genomes Project 30x 0.00016; gnomAD 0.00001.
gnomAD v4.1: 20 of 1,549,076 alleles (0.0013%); highest among the groups gnomAD compares: East Asian, 0.019%; no homozygotes.

Submissions (9):

Ambry Genetics
Classification: Likely benign for Cardiovascular phenotype. Last evaluated: 2025-11-07. Review status: criteria provided, single submitter. Criteria: Ambry Variant Classification Scheme 2023. Collection method: clinical testing. Allele origin: germline.

Labcorp Genetics (formerly Invitae), Labcorp
Classification: Uncertain significance for Long QT syndrome. Last evaluated: 2025-11-02. Review status: criteria provided, single submitter. Criteria: Invitae Variant Classification Sherloc (09022015). Collection method: clinical testing. Allele origin: germline.
Comment: This sequence change replaces arginine, which is basic and polar, with glutamine, which is neutral and polar, at codon 1032 of the KCNH2 protein (p.Arg1032Gln). This variant is present in population databases (rs199473020, gnomAD 0.04%). This missense change has been observed in individual(s) with long QT syndrome and Brugada syndrome (PMID: 20541041, 36303204). This variant is also known as c.G2075A, p.R696Q. ClinVar contains an entry for this variant (Variation ID: 67466). An algorithm developed to predict the effect of missense changes on protein structure and function (PolyPhen-2) suggests that this variant is likely to be disruptive. In summary, the available evidence is currently insufficient to determine the role of this variant in disease. Therefore, it has been classified as a Variant of Uncertain Significance.

All of Us Research Program, National Institutes of Health
Classification: Uncertain significance for Long QT syndrome. Last evaluated: 2024-07-10. Review status: criteria provided, single submitter. Criteria: ACMG Guidelines, 2015. Collection method: clinical testing. Allele origin: germline. Inheritance: Autosomal dominant inheritance. Observed: 6 variant alleles, 6 heterozygotes.
Comment: This missense variant replaces arginine with glutamine at codon 1032 of the KCNH2 protein. Computational prediction is inconclusive regarding the impact of this variant on protein structure and function (internally defined REVEL score threshold 0.5 < inconclusive < 0.7, PMID: 27666373). To our knowledge, functional studies have not been reported for this variant. This variant has been reported in individuals affected with Brugada syndrome (PMID: 36303204), suspected of having long QT syndrome (PMID: 20541041) or other cardiovascular diseases (PMID: 31696929), as well as in an unaffected individual (PMID: 29925740). This variant has also been identified in 5/146460 chromosomes in the general population by the Genome Aggregation Database (gnomAD). The available evidence is insufficient to determine the role of this variant in disease conclusively. Therefore, this variant is classified as a Variant of Uncertain Significance.

This study involves interpretation of variants in research participants for the purpose of population health screening. Participant phenotype was not available at the time of variant classification. Additional details can be found in publication PMID: 35346344, PMCID: PMC8962531

Color Diagnostics, LLC DBA Color Health
Classification: Uncertain significance for Cardiac arrhythmia. Last evaluated: 2024-06-20. Review status: criteria provided, single submitter. Criteria: ACMG Guidelines, 2015. Collection method: clinical testing. Allele origin: germline.
Comment: This missense variant replaces arginine with glutamine at codon 1032 of the KCNH2 protein. Computational prediction is inconclusive regarding the impact of this variant on protein structure and function (internally defined REVEL score threshold 0.5 < inconclusive < 0.7, PMID: 27666373). To our knowledge, functional studies have not been reported for this variant. This variant has been reported in individuals affected with Brugada syndrome (PMID: 36303204), suspected of having long QT syndrome (PMID: 20541041) or other cardiovascular diseases (PMID: 31696929), as well as in an unaffected individual (PMID: 29925740). This variant has also been identified in 5/146460 chromosomes in the general population by the Genome Aggregation Database (gnomAD). The available evidence is insufficient to determine the role of this variant in disease conclusively. Therefore, this variant is classified as a Variant of Uncertain Significance.

Blueprint Genetics
Classification: Uncertain significance. Last evaluated: 2024-02-01. Review status: criteria provided, single submitter. Criteria: ACMG Guidelines, 2015. Collection method: clinical testing. Allele origin: germline.

Department of Pathology and Laboratory Medicine, Sinai Health System
Classification: Uncertain significance for Short QT syndrome type 1; Long QT syndrome 2. Last evaluated: 2022-06-16. Review status: criteria provided, single submitter. Criteria: ACMG Guidelines, 2015. Collection method: research. Allele origin: germline.

Fulgent Genetics
Classification: Uncertain significance for Short QT syndrome type 1; Long QT syndrome 2. Last evaluated: 2021-09-01. Review status: criteria provided, single submitter. Criteria: ACMG Guidelines, 2015. Collection method: clinical testing. Allele origin: unknown.

Mendelics
Classification: Uncertain significance for Long QT syndrome 2. Last evaluated: 2019-05-28. Review status: criteria provided, single submitter. Criteria: Mendelics Assertion Criteria 2017. Collection method: clinical testing. Allele origin: unknown.

Cardiovascular Biomedical Research Unit, Royal Brompton & Harefield NHS Foundation Trust
No classification provided. Condition: Familial long QT syndrome. Review status: no classification provided. Collection method: literature only. Allele origin: germline. Not counted in ClinVar's aggregate classification.
Comment: This variant has been reported as associated with Long QT syndrome in the following publications (PMID:20541041). This is a literature report, and does not necessarily reflect the clinical interpretation of the Imperial College / Royal Brompton Cardiovascular Genetics laboratory.

Literature cited by the submitters: PubMed 20541041 (cited by 5 submitters); PubMed 29925740 (cited by 3 submitters); PubMed 31696929 (cited by 3 submitters); PubMed 36303204 (cited by 4 submitters); PubMed 22581653 (cited by Cardiovascular Biomedical Research Unit, Royal Brompton & Harefield NHS Foundation Trust).